The following is an entry in ClinVar:

ClinVar aggregate classification (germline): Conflicting classifications of pathogenicity. Review status: criteria provided, conflicting classifications (1 of 4 stars). 4 submissions from 4 submitters: Uncertain significance (3); Likely benign (1). Last evaluated 2026-01-01.

Conditions:
Inborn genetic diseases. Identifiers: MedGen C0950123, MeSH D030342.

Allele frequency attached by ClinVar (database versions not stated): ExAC 0.00021; TOPMed 0.00044; ESP Exome Variant Server 0.00046; gnomAD 0.00050; gnomAD exomes 0.00074.
gnomAD v4.1: 1,195 of 1,613,854 alleles (0.074%); highest among the groups gnomAD compares: Non-Finnish European, 0.093%; 2 homozygotes.

Submissions (4):

CeGaT Center for Human Genetics Tuebingen
Classification: Likely benign. Last evaluated: 2026-01-01. Review status: criteria provided, single submitter. Criteria: CeGaT Center For Human Genetics Tuebingen Variant Classification Criteria Version 2. Collection method: clinical testing. Allele origin: germline. Affected: yes. Observed: 1 variant allele.
Comment: MECR: BP4

Blueprint Genetics
Classification: Uncertain significance. Last evaluated: 2024-11-15. Review status: criteria provided, single submitter. Criteria: ACMG Guidelines, 2015. Collection method: clinical testing. Allele origin: germline.

GeneDx
Classification: Uncertain significance. Last evaluated: 2022-03-01. Review status: criteria provided, single submitter. Criteria: GeneDx Variant Classification Process June 2021. Collection method: clinical testing. Allele origin: germline. Affected: yes.
Comment: In silico analysis supports that this missense variant does not alter protein structure/function; Has not been previously published as pathogenic or benign to our knowledge

Ambry Genetics
Classification: Uncertain significance for Inborn genetic diseases. Last evaluated: 2021-08-23. Review status: criteria provided, single submitter. Criteria: Ambry Variant Classification Scheme 2023. Collection method: clinical testing. Allele origin: germline.

NM_016011.5(MECR):c.287T>C (p.Phe96Ser)

Gene: MECR (mitochondrial trans-2-enoyl-CoA reductase; minus strand). Cytogenetic location: 1p35.3.
Variant type: single nucleotide variant.
Coding change: c.287T>C on transcript NM_016011.5 (MANE Select); coding-DNA position 287, T replaced by C.
Protein change: p.Phe96Ser; replaces phenylalanine 96 with serine.
Molecular consequence: missense variant. On other transcripts: non-coding transcript variant (4).
Genome position (GRCh38, 1-based): chr1:29,216,124, A>G on the plus strand (T>C on the coding strand, the complement: MECR is on the minus strand). VCF-style: chr1-29216124-A-G. GRCh37 (hg19) VCF-style: chr1-29542636-A-G.
Other names: c.59T>C, p.Phe20Ser (NM_001024732.4, NM_001349711.2, NM_001349712.2 and 2 more transcripts); c.392T>C, p.Phe131Ser (NM_001349715.2); c.371T>C, p.Phe124Ser (NM_001349716.2); c.137T>C, p.Phe46Ser (NM_001349717.2); short protein forms F124S, F131S, F20S, F46S, F96S.
Identifiers: ClinVar variation 1703996 (VCV001703996.10), dbSNP rs144371520, ClinGen allele CA725834.